The following is an entry in ClinVar:

ClinVar aggregate classification (germline): Uncertain significance (1 of 4 stars; one submission).

Submission:

GeneDx
Classification: Uncertain significance. Last evaluated: 2024-05-16. Review status: criteria provided, single submitter. Criteria: GeneDx Variant Classification Process June 2021. Collection method: clinical testing. Allele origin: germline. Affected: yes.
Comment: Not observed at significant frequency in large population cohorts (gnomAD); In silico analysis indicates that this missense variant does not alter protein structure/function; Has not been previously published as pathogenic or benign to our knowledge

NM_001130144.3(LTBP3):c.698A>G (p.His233Arg)

Gene: LTBP3 (latent transforming growth factor beta binding protein 3; minus strand). Cytogenetic location: 11q13.1.
Variant type: single nucleotide variant.
Coding change: c.698A>G on transcript NM_001130144.3 (MANE Select); coding-DNA position 698, A replaced by G.
Protein change: p.His233Arg; replaces histidine 233 with arginine.
Molecular consequence: missense variant.
Genome position (GRCh38, 1-based): chr11:65,553,867, T>C on the plus strand (A>G on the coding strand, the complement: LTBP3 is on the minus strand). VCF-style: chr11-65553867-T-C. GRCh37 (hg19) VCF-style: chr11-65321338-T-C.
Other names: c.347A>G, p.His116Arg (NM_001164266.1); c.698A>G, p.His233Arg (NM_021070.4); short protein forms H116R, H233R.
Identifiers: ClinVar variation 3381520 (VCV003381520.1).